The following is an entry in ClinVar:

NM_006445.4(PRPF8):c.6852G>A (p.Met2284Ile)

Gene: PRPF8 (pre-mRNA processing factor 8; minus strand). Cytogenetic location: 17p13.3.
Variant type: single nucleotide variant.
Coding change: c.6852G>A on transcript NM_006445.4 (MANE Select); coding-DNA position 6852, G replaced by A.
Protein change: p.Met2284Ile; replaces methionine 2284 with isoleucine.
Molecular consequence: missense variant.
Genome position (GRCh38, 1-based): chr17:1,651,109, C>T on the plus strand (G>A on the coding strand, the complement: PRPF8 is on the minus strand). VCF-style: chr17-1651109-C-T. GRCh37 (hg19) VCF-style: chr17-1554403-C-T.
Other names: short protein forms M2284I.
Identifiers: ClinVar variation 2815260 (VCV002815260.3), dbSNP rs2543710941, ClinGen allele CA397563574.

ClinVar aggregate classification (germline): Uncertain significance (1 of 4 stars; one submission).

Submission:

Labcorp Genetics (formerly Invitae), Labcorp
Classification: Uncertain significance. Last evaluated: 2022-11-19. Review status: criteria provided, single submitter. Criteria: Invitae Variant Classification Sherloc (09022015). Collection method: clinical testing. Allele origin: germline.
Comment: In summary, the available evidence is currently insufficient to determine the role of this variant in disease. Therefore, it has been classified as a Variant of Uncertain Significance. Algorithms developed to predict the effect of missense changes on protein structure and function (SIFT, PolyPhen-2, Align-GVGD) all suggest that this variant is likely to be tolerated. This variant has not been reported in the literature in individuals affected with PRPF8-related conditions. This variant is not present in population databases (gnomAD no frequency). This sequence change replaces methionine, which is neutral and non-polar, with isoleucine, which is neutral and non-polar, at codon 2284 of the PRPF8 protein (p.Met2284Ile).